The following is an entry in ClinVar:

NM_001848.3(COL6A1):c.2756C>T (p.Ala919Val)

Gene: COL6A1 (collagen type VI alpha 1 chain; plus strand). Cytogenetic location: 21q22.3.
Variant type: single nucleotide variant.
Coding change: c.2756C>T on transcript NM_001848.3 (MANE Select); coding-DNA position 2756, C replaced by T.
Protein change: p.Ala919Val; replaces alanine 919 with valine.
Molecular consequence: missense variant.
Genome position (GRCh38, 1-based): chr21:46,003,682, C>T. VCF-style: chr21-46003682-C-T. GRCh37 (hg19) VCF-style: chr21-47423596-C-T.
Other names: p.Ala919Val; short protein forms A919V.
Identifiers: ClinVar variation 3781341 (VCV003781341.1).
Genomic context (GRCh38, chr21:46,003,682, plus strand): 5'-CCCTGGCCAGTGCCGTCGATGCCATGGACTTTATCAACGACGCCACCGACGTCAACGATG[C>T]CCTGGGCTATGTGACCCGCTTCTACCGCGAGGCCTCGTCCGGCGCTGCCAAGAAGAGGCT-3'
Protein context (NP_001839.2, residues 909-929): FINDATDVND[Ala919Val]LGYVTRFYRE

ClinVar aggregate classification (germline): Uncertain significance (1 of 4 stars; one submission).

Conditions:
Bethlem myopathy 1A. Also called: Bethlem Muscular Dystrophy; MYOPATHY, BENIGN CONGENITAL, WITH CONTRACTURES; Bethlem myopathy 1. Identifiers: Orphanet 610, MedGen CN029274, MONDO:0024530, OMIM 158810.

gnomAD v4.1: 2 of 1,613,102 alleles (0.00012%); highest among the groups gnomAD compares: Admixed American, 0.0017%; no homozygotes.

Submission:

Foundation for Research in Genetics and Endocrinology, FRIGE's Institute of Human Genetics
Classification: Uncertain significance for Bethlem myopathy 1A. Last evaluated: 2025-04-02. Review status: criteria provided, single submitter. Criteria: ACMG Guidelines, 2015. Collection method: clinical testing. Allele origin: germline. Inheritance: Autosomal dominant inheritance. Affected: yes. Observed: 1 heterozygote.
Comment: A heterozygous missense variant in exon 35 of the COL6A1 gene that results in an amino acid substitution of Alanine for Valine at codon 919 was detected. The observed variant c.2756C>T (p.Ala919Val) has not been reported in the 1000 genomes but has a MAF of 0.0003% in the gnomAD databases. The in-silico prediction of the variant are possibly deleterious by CADD. In summary, the variant meets our criteria to be classified as a variant of uncertain significance.